The following is an entry in ClinVar:

ClinVar aggregate classification (germline): Uncertain significance. Review status: criteria provided, multiple submitters, no conflicts (2 of 4 stars). 2 submissions from 2 submitters: Uncertain significance (2). Last evaluated 2025-10-09.

Conditions:
Hereditary cancer-predisposing syndrome. Also called: Tumor predisposition; Hereditary Cancer Syndrome; Hereditary neoplastic syndrome; Neoplastic Syndromes, Hereditary. Identifiers: Orphanet 140162, MedGen C0027672, MeSH D009386, MONDO:0015356.
Familial adenomatous polyposis 1 (FAP1). Also called: FAMILIAL ADENOMATOUS POLYPOSIS 1, ATTENUATED; POLYPOSIS, ADENOMATOUS INTESTINAL. Identifiers: MedGen C2713442, MONDO:0021056, OMIM 175100. Disease mechanism: loss of function.

Submissions (2):

Ambry Genetics
Classification: Uncertain significance for Hereditary cancer-predisposing syndrome. Last evaluated: 2025-10-09. Review status: criteria provided, single submitter. Criteria: Ambry Variant Classification Scheme 2023. Collection method: clinical testing. Allele origin: germline.
Comment: The p.D147A variant (also known as c.440A>C), located in coding exon 4 of the APC gene, results from an A to C substitution at nucleotide position 440. The aspartic acid at codon 147 is replaced by alanine, an amino acid with dissimilar properties. This amino acid position is not well conserved in available vertebrate species. In addition, in silico predictors for this gene do not accurately predict pathogenicity. Missense variants in APC are not a common cause of disease (Spier I et al. Genet Med. 2024 Feb;26(2):100992). Based on the available evidence, the clinical significance of this variant remains unclear.

Labcorp Genetics (formerly Invitae), Labcorp
Classification: Uncertain significance for Familial adenomatous polyposis 1. Last evaluated: 2020-12-01. Review status: criteria provided, single submitter. Criteria: Invitae Variant Classification Sherloc (09022015). Collection method: clinical testing. Allele origin: germline.
Comment: In summary, the available evidence is currently insufficient to determine the role of this variant in disease. Therefore, it has been classified as a Variant of Uncertain Significance. Algorithms developed to predict the effect of missense changes on protein structure and function are either unavailable or do not agree on the potential impact of this missense change (SIFT: "Deleterious"; PolyPhen-2: "Benign"; Align-GVGD: "Class C0"). This variant has not been reported in the literature in individuals with APC-related conditions. This variant is not present in population databases (ExAC no frequency). This sequence change replaces aspartic acid with alanine at codon 147 of the APC protein (p.Asp147Ala). The aspartic acid residue is moderately conserved and there is a moderate physicochemical difference between aspartic acid and alanine.

NM_000038.6(APC):c.440A>C (p.Asp147Ala)

Gene: APC (APC regulator of Wnt signaling pathway; plus strand). Cytogenetic location: 5q22.2.
Variant type: single nucleotide variant.
Coding change: c.440A>C on transcript NM_000038.6 (MANE Select); coding-DNA position 440, A replaced by C.
Protein change: p.Asp147Ala; replaces aspartic acid 147 with alanine.
Molecular consequence: missense variant. On other transcripts: 5 prime UTR variant (1).
Genome position (GRCh38, 1-based): chr5:112,775,646, A>C. VCF-style: chr5-112775646-A-C. GRCh37 (hg19) VCF-style: chr5-112111343-A-C.
Other names: c.440A>C (NM_000038.5); c.440A>C, p.Asp147Ala (NM_001127510.3, NM_001354895.2, NM_001354896.2 and 2 more transcripts); c.470A>C, p.Asp157Ala (NM_001127511.3, NM_001354897.2, NM_001354902.2); c.365A>C, p.Asp122Ala (NM_001354898.2, NM_001354904.2); c.263A>C, p.Asp88Ala (NM_001354900.2, NM_001354901.2, NM_001354905.2); c.-596A>C (NM_001354906.2); short protein forms D122A, D157A, D147A, D88A.
Identifiers: ClinVar variation 1467584 (VCV001467584.9), dbSNP rs769039873, ClinGen allele CA16022281.